The following is an entry in ClinVar:

NM_001352754.2(ARMC9):c.809G>A (p.Cys270Tyr)

Gene: ARMC9 (armadillo repeat containing 9; plus strand). Cytogenetic location: 2q37.1.
Variant type: single nucleotide variant.
Coding change: c.809G>A on transcript NM_001352754.2 (MANE Select); coding-DNA position 809, G replaced by A.
Protein change: p.Cys270Tyr; replaces cysteine 270 with tyrosine.
Molecular consequence: missense variant. On other transcripts: non-coding transcript variant (1), intron variant (2).
Genome position (GRCh38, 1-based): chr2:231,239,971, G>A. VCF-style: chr2-231239971-G-A. GRCh37 (hg19) VCF-style: chr2-232104684-G-A.
Other names: c.809G>A, p.Cys270Tyr (NM_001271466.4, NM_001291656.2, NM_001352755.2 and 3 more transcripts); c.780+4590G>A (NM_001352757.2, NM_001352758.2); short protein forms C270Y.
Identifiers: ClinVar variation 1019704 (VCV001019704.7), dbSNP rs762804159, ClinGen allele CA2160055.

ClinVar aggregate classification (germline): Uncertain significance (1 of 4 stars; one submission).

Allele frequency attached by ClinVar (database versions not stated): gnomAD exomes 0.00001; ExAC 0.00002.
gnomAD v4.1: 6 of 1,614,082 alleles (0.00037%); highest among the groups gnomAD compares: East Asian, 0.0022%; no homozygotes.

Submission:

Labcorp Genetics (formerly Invitae), Labcorp
Classification: Uncertain significance. Last evaluated: 2022-11-08. Review status: criteria provided, single submitter. Criteria: Invitae Variant Classification Sherloc (09022015). Collection method: clinical testing. Allele origin: germline.
Comment: In summary, the available evidence is currently insufficient to determine the role of this variant in disease. Therefore, it has been classified as a Variant of Uncertain Significance. Experimental studies and prediction algorithms are not available or were not evaluated, and the functional significance of this variant is currently unknown. ClinVar contains an entry for this variant (Variation ID: 1019704). This variant has not been reported in the literature in individuals affected with ARMC9-related conditions. This variant is present in population databases (rs762804159, gnomAD 0.007%). This sequence change replaces cysteine, which is neutral and slightly polar, with tyrosine, which is neutral and polar, at codon 270 of the ARMC9 protein (p.Cys270Tyr).